The following is an entry in ClinVar:

NM_015346.4(ZFYVE26):c.*1409C>T

Gene: ZFYVE26 (zinc finger FYVE-type containing 26; minus strand). Cytogenetic location: 14q24.1.
Variant type: single nucleotide variant.
Coding change: c.*1409C>T on transcript NM_015346.4 (MANE Select); 1409 bases downstream of the stop codon, C replaced by T.
Molecular consequence: 3 prime UTR variant.
Genome position (GRCh38, 1-based): chr14:67,747,027, G>A on the plus strand (C>T on the coding strand, the complement: ZFYVE26 is on the minus strand). VCF-style: chr14-67747027-G-A. GRCh37 (hg19) VCF-style: chr14-68213744-G-A.
Identifiers: ClinVar variation 313852 (VCV000313852.6), dbSNP rs10288, ClinGen allele CA10635120.

ClinVar aggregate classification (germline): Benign. Review status: criteria provided, multiple submitters, no conflicts (2 of 4 stars). 2 submissions from 2 submitters: Benign (2). Last evaluated 2018-01-12.

Conditions:
Hereditary spastic paraplegia 15 (SPG15). Also called: SPASTIC PARAPLEGIA 15, AUTOSOMAL RECESSIVE; KJELLIN SYNDROME; SPASTIC PARAPLEGIA AND RETINAL DEGENERATION. Identifiers: Orphanet 100996, MedGen C1849128, MONDO:0010044, OMIM 270700.

Allele frequency attached by ClinVar (database versions not stated): TOPMed 0.94483; 1000 Genomes Project 30x 0.94566; gnomAD 0.94789 and 0.95129; 1000 Genomes Project 0.95008; gnomAD exomes 1.00000.
gnomAD v4.1: 145,323 of 152,686 alleles (95%); highest among the groups gnomAD compares: East Asian, 100%; 69,494 homozygotes.

Submissions (2):

Illumina Laboratory Services, Illumina
Classification: Benign for Hereditary spastic paraplegia 15. Last evaluated: 2018-01-12. Review status: criteria provided, single submitter. Criteria: ICSL Variant Classification Criteria 13 December 2019. Collection method: clinical testing. Allele origin: germline.
Comment: This variant was observed in the ICSL laboratory as part of a predisposition screen in an ostensibly healthy population. It had not been previously curated by ICSL or reported in the Human Gene Mutation Database (HGMD: prior to June 1st, 2018), and was therefore a candidate for classification through an automated scoring system. Utilizing variant allele frequency, disease prevalence and penetrance estimates, and inheritance mode, an automated score was calculated to assess if this variant is too frequent to cause the disease. Based on the score and internal cut-off values, a variant classified as benign is not then subjected to further curation. The score for this variant resulted in a classification of benign for this disease.

Breakthrough Genomics
Classification: Benign. Review status: criteria provided, single submitter. Criteria: ACMG Guidelines, 2015. Collection method: not provided. Allele origin: germline. Inheritance: Autosomal recessive inheritance. Affected: yes.